The following is an entry in ClinVar:

ClinVar aggregate classification (germline): Uncertain significance (1 of 4 stars; one submission).

Conditions:
Renal cell carcinoma. Identifiers: Orphanet 217071, MedGen C0007134, MeSH D002292, MONDO:0005086, HP:0005584.

Allele frequency attached by ClinVar (database versions not stated): gnomAD exomes below 0.00001.
gnomAD v4.1: 2 of 1,613,856 alleles (0.00012%); highest among the groups gnomAD compares: Non-Finnish European, 0.000085%; no homozygotes.

Submission:

Labcorp Genetics (formerly Invitae), Labcorp
Classification: Uncertain significance for Renal cell carcinoma. Last evaluated: 2018-03-27. Review status: criteria provided, single submitter. Criteria: Invitae Variant Classification Sherloc (09022015). Collection method: clinical testing. Allele origin: germline.
Comment: This sequence change replaces proline with serine at codon 865 of the MET protein (p.Pro865Ser). The proline residue is highly conserved and there is a moderate physicochemical difference between proline and serine. In summary, the available evidence is currently insufficient to determine the role of this variant in disease. Therefore, it has been classified as a Variant of Uncertain Significance. Algorithms developed to predict the effect of sequence changes on RNA splicing suggest that this variant may create or strengthen a splice site, but this prediction has not been confirmed by published transcriptional studies. Algorithms developed to predict the effect of missense changes on protein structure and function do not agree on the potential impact of this missense change (SIFT: "Deleterious"; PolyPhen-2: "Probably Damaging"; Align-GVGD: "Class C0"). This variant has not been reported in the literature in individuals with MET-related disease. This variant is not present in population databases (ExAC no frequency).

NM_000245.4(MET):c.2539C>T (p.Pro847Ser)

Gene: MET (MET proto-oncogene, receptor tyrosine kinase; plus strand). Cytogenetic location: 7q31.2.
Variant type: single nucleotide variant.
Coding change: c.2539C>T on transcript NM_000245.4 (MANE Select); coding-DNA position 2539, C replaced by T.
Protein change: p.Pro847Ser; replaces proline 847 with serine.
Molecular consequence: missense variant.
Genome position (GRCh38, 1-based): chr7:116,763,224, C>T. VCF-style: chr7-116763224-C-T. GRCh37 (hg19) VCF-style: chr7-116403278-C-T.
Other names: c.2593C>T, p.Pro865Ser (NM_001127500.3); c.2539C>T, p.Pro847Ser (NM_001324401.3); c.1249C>T, p.Pro417Ser (NM_001324402.2); short protein forms P865S, P417S, P847S.
Identifiers: ClinVar variation 580985 (VCV000580985.10), dbSNP rs1562925733, ClinGen allele CA368983583.
Genomic context (GRCh38, chr7:116,763,224, plus strand): 5'-CTTTCCAAATACTTTGATCTCATTTATGTACATAATCCTGTGTTTAAGCCTTTTGAAAAG[C>T]CAGTGATGATCTCAATGGGCAATGAAAATGTACTGGAAATTAAGGTAAGAAATGCTTTAA-3'
Protein context (NP_000236.2, residues 837-857): HNPVFKPFEK[Pro847Ser]VMISMGNENV